The following is an entry in ClinVar:

NM_001378454.1(ALMS1):c.12090_12101del (p.Pro4031_Arg4034del)

Genes: ALMS1 (ALMS1 centrosome and basal body associated protein; plus strand), LOC126806252 (BRD4-independent group 4 enhancer GRCh37_chr2:73828496-73829695; plus strand). Cytogenetic location: 2p13.1.
Variant type: Deletion.
Coding change: c.12090_12101del on transcript NM_001378454.1 (MANE Select); coding-DNA positions 12090 to 12101, 12 bases deleted (GCCATTTGTGAG).
Protein change: p.Pro4031_Arg4034del.
Molecular consequence: inframe deletion.
Genome position (GRCh38, 1-based): chr2:73,601,412-73,601,423, GCCATTTGTGAG deleted; deleting any 12 consecutive bases within chr2:73,601,408-73,601,423 gives the same sequence; the c. name uses the placement nearest the transcript's 3' end. VCF-style (leftmost placement, unchanged base first): chr2-73601407-CTGAGGCCATTTG-C. GRCh37 (hg19) VCF-style: chr2-73828534-CTGAGGCCATTTG-C.
Other names: c.12093_12104del12 (NM_015120.4); c.12093_12104del, p.Pro4032_Arg4035del (NM_015120.4).
Identifiers: ClinVar variation 552078 (VCV000552078.4), dbSNP rs1245181381, ClinGen allele CA534125800.

ClinVar aggregate classification (germline): Uncertain significance. Review status: criteria provided, multiple submitters, no conflicts (2 of 4 stars). 3 submissions from 3 submitters: Uncertain significance (2). 1 of the submissions does not count toward it. Last evaluated 2025-07-03.

Conditions:
Cardiovascular phenotype. Identifiers: MedGen CN230736.
Alstrom syndrome (ALMS). Identifiers: Orphanet 64, MedGen C0268425, MONDO:0008763, OMIM 203800.

Submissions (3):

Ambry Genetics
Classification: Uncertain significance for Cardiovascular phenotype. Last evaluated: 2025-07-03. Review status: criteria provided, single submitter. Criteria: Ambry Variant Classification Scheme 2023. Collection method: clinical testing. Allele origin: germline.
Comment: The c.12093_12104del12 variant (also known as p.P4032_R4035del) is located in coding exon 19 of the ALMS1 gene. This variant results from an in-frame GCCATTTGTGAG deletion at nucleotide positions 12093 to 12104. This results in the in-frame deletion of four amino acids at codons 4032 to 4035. This amino acid region is well conserved in available vertebrate species. In addition, this variant is predicted to be deleterious by in silico analysis (Choi Y et al. PLoS ONE. 2012; 7(10):e46688). Based on the available evidence, the clinical significance of this variant remains unclear.

Fulgent Genetics
Classification: Uncertain significance for Alstrom syndrome. Last evaluated: 2021-11-02. Review status: criteria provided, single submitter. Criteria: ACMG Guidelines, 2015. Collection method: clinical testing. Allele origin: unknown.

Counsyl
Classification: Uncertain significance for Alstrom syndrome. Last evaluated: 2017-05-26. Review status: no assertion criteria provided. Collection method: clinical testing. Allele origin: unknown. Not counted in ClinVar's aggregate classification.